The following is an entry in ClinVar:

NM_001369268.1(ACAN):c.776_777del (p.Thr259fs)

Gene: ACAN (aggrecan; plus strand). Cytogenetic location: 15q26.1.
Variant type: Deletion.
Coding change: c.776_777del on transcript NM_001369268.1 (MANE Select); coding-DNA positions 776 to 777, 2 bases deleted (CA; older notation c.776_777delCA).
Protein change: p.Thr259fs; shifts the reading frame from threonine 259.
Molecular consequence: frameshift variant.
Genome position (GRCh38, 1-based): chr15:88,843,373-88,843,374, CA deleted; deleting any 2 consecutive bases within chr15:88,843,372-88,843,374 gives the same sequence; the c. name uses the placement nearest the transcript's 3' end. VCF-style (leftmost placement, unchanged base first): chr15-88843371-AAC-A. GRCh37 (hg19) VCF-style: chr15-89386602-AAC-A.
Other names: c.776_777del, p.Thr259fs (NM_001135.4, NM_001411096.1, NM_001411097.1 and 1 more transcripts); short protein forms T259fs.
Identifiers: ClinVar variation 3693506 (VCV003693506.3).

ClinVar aggregate classification (germline): Pathogenic/Likely pathogenic. Review status: criteria provided, multiple submitters, no conflicts (2 of 4 stars). 2 submissions from 2 submitters: Pathogenic (1); Likely pathogenic (1). Last evaluated 2025-08-22.

Submissions (2):

Centre of Medical Genetics, University Hospital Muenster
Classification: Likely pathogenic. Last evaluated: 2025-08-22. Review status: criteria provided, single submitter. Criteria: ACMG Guidelines, 2015. Collection method: clinical testing. Allele origin: unknown. Affected: yes. Observed: 1 variant allele, 1 heterozygote.
Comment: ACMG categories: PVS1,PM2_sup

Labcorp Genetics (formerly Invitae), Labcorp
Classification: Pathogenic. Last evaluated: 2024-02-10. Review status: criteria provided, single submitter. Criteria: Invitae Variant Classification Sherloc (09022015). Collection method: clinical testing. Allele origin: germline.
Comment: This sequence change creates a premature translational stop signal (p.Thr259Ilefs*13) in the ACAN gene. It is expected to result in an absent or disrupted protein product. Loss-of-function variants in ACAN are known to be pathogenic (PMID: 16080123, 24762113). This variant is not present in population databases (gnomAD no frequency). This variant has not been reported in the literature in individuals affected with ACAN-related conditions. For these reasons, this variant has been classified as Pathogenic.

Literature cited by the submitters: PubMed 16080123 (cited by Labcorp Genetics (formerly Invitae), Labcorp); PubMed 24762113 (cited by Labcorp Genetics (formerly Invitae), Labcorp).